The following is an entry in ClinVar:

ClinVar aggregate classification (germline): Uncertain significance. Review status: criteria provided, multiple submitters, no conflicts (2 of 4 stars). 2 submissions from 2 submitters: Uncertain significance (2). Last evaluated 2025-02-24.

Conditions:
Hereditary cancer-predisposing syndrome. Also called: Hereditary Cancer Syndrome; Hereditary neoplastic syndrome; Tumor predisposition; Neoplastic Syndromes, Hereditary. Identifiers: Orphanet 140162, MedGen C0027672, MeSH D009386, MONDO:0015356.

Submissions (2):

Ambry Genetics
Classification: Uncertain significance for Hereditary cancer-predisposing syndrome. Last evaluated: 2025-02-24. Review status: criteria provided, single submitter. Criteria: Ambry Variant Classification Scheme 2023. Collection method: clinical testing. Allele origin: germline.
Comment: The p.S1368C variant (also known as c.4103C>G), located in coding exon 21 of the BLM gene, results from a C to G substitution at nucleotide position 4103. The serine at codon 1368 is replaced by cysteine, an amino acid with dissimilar properties. This amino acid position is conserved. In addition, this alteration is predicted to be tolerated by in silico analysis. Based on the available evidence, the clinical significance of this variant remains unclear.

Quest Diagnostics Nichols Institute San Juan Capistrano
Classification: Uncertain significance. Last evaluated: 2024-10-19. Review status: criteria provided, single submitter. Criteria: Quest Diagnostics criteria. Collection method: clinical testing. Allele origin: unknown.
Comment: The BLM c.4103C>G (p.Ser1368Cys) variant has not been reported in individuals with BLM-related conditions in the published literature. It also has not been reported in large, multi-ethnic general populations (Genome Aggregation Database). Analysis of this variant using bioinformatics tools for the prediction of the effect of amino acid changes on protein structure and function yielded conflicting predictions that this variant is benign or damaging. Based on the available information, we are unable to determine the clinical significance of this variant.

NM_000057.4(BLM):c.4103C>G (p.Ser1368Cys)

Gene: BLM (BLM RecQ like helicase; plus strand). Cytogenetic location: 15q26.1.
Variant type: single nucleotide variant.
Coding change: c.4103C>G on transcript NM_000057.4 (MANE Select); coding-DNA position 4103, C replaced by G.
Protein change: p.Ser1368Cys; replaces serine 1368 with cysteine.
Molecular consequence: missense variant.
Genome position (GRCh38, 1-based): chr15:90,815,128, C>G. VCF-style: chr15-90815128-C-G. GRCh37 (hg19) VCF-style: chr15-91358358-C-G.
Other names: c.4103C>G, p.Ser1368Cys (NM_001287246.2); c.3710C>G, p.Ser1237Cys (NM_001287247.2); c.2978C>G, p.Ser993Cys (NM_001287248.2); short protein forms S1368C, S993C, S1237C.
Identifiers: ClinVar variation 3572337 (VCV003572337.2).